The following is an entry in ClinVar:

NM_033305.3(VPS13A):c.5496_5497insT (p.Ile1833fs)

Gene: VPS13A (vacuolar protein sorting 13 homolog A; plus strand). Cytogenetic location: 9q21.2.
Variant type: Insertion.
Coding change: c.5496_5497insT on transcript NM_033305.3 (MANE Select); coding-DNA positions 5496 to 5497, T inserted.
Protein change: p.Ile1833fs; shifts the reading frame from isoleucine 1833.
Molecular consequence: frameshift variant.
Genome position: GRCh38 VCF-style: chr9-77321249-C-CT. GRCh37 (hg19) VCF-style: chr9-79936165-C-CT.
Other names: c.5379_5380insT, p.Ile1794fs (NM_001018037.2); c.5496_5497insT, p.Ile1833fs (NM_001018038.3, NM_015186.4); short protein forms I1833fs, I1794fs.
Identifiers: ClinVar variation 2002160 (VCV002002160.4), dbSNP rs2538007464, ClinGen allele CA2580080784.

ClinVar aggregate classification (germline): Pathogenic (1 of 4 stars; one submission).

Submission:

Labcorp Genetics (formerly Invitae), Labcorp
Classification: Pathogenic. Last evaluated: 2023-08-21. Review status: criteria provided, single submitter. Criteria: Invitae Variant Classification Sherloc (09022015). Collection method: clinical testing. Allele origin: germline.
Comment: For these reasons, this variant has been classified as Pathogenic. ClinVar contains an entry for this variant (Variation ID: 2002160). This variant has not been reported in the literature in individuals affected with VPS13A-related conditions. This variant is not present in population databases (gnomAD no frequency). This sequence change creates a premature translational stop signal (p.Ile1833Tyrfs*38) in the VPS13A gene. It is expected to result in an absent or disrupted protein product. Loss-of-function variants in VPS13A are known to be pathogenic (PMID: 12404112, 21598378).

Literature cited by the submitters: PubMed 12404112; PubMed 21598378.